The following is an entry in ClinVar:

NM_001042492.3(NF1):c.6350_6353del (p.Ser2117fs)

Gene: NF1 (neurofibromin 1; plus strand). Cytogenetic location: 17q11.2.
Variant type: Deletion.
Coding change: c.6350_6353del on transcript NM_001042492.3 (MANE Select); coding-DNA positions 6350 to 6353, 4 bases deleted (CCCT; older notation c.6350_6353delCCCT).
Protein change: p.Ser2117fs; shifts the reading frame from serine 2117.
Molecular consequence: frameshift variant.
Genome position (GRCh38, 1-based): chr17:31,336,837-31,336,840, CCCT deleted; deleting any 4 consecutive bases within chr17:31,336,835-31,336,840 gives the same sequence; the c. name uses the placement nearest the transcript's 3' end. VCF-style (leftmost placement, unchanged base first): chr17-31336834-TCTCC-T. GRCh37 (hg19) VCF-style: chr17-29663852-TCTCC-T.
Other names: c.6287_6290delCCCT (NM_000267.3); c.6287_6290delCCCT, p.Ser2096Leufs (NM_000267.4); short protein forms S2096fs, S2117fs.
Identifiers: ClinVar variation 421995 (VCV000421995.4), dbSNP rs1064795492, ClinGen allele CA16620372.

ClinVar aggregate classification (germline): Likely pathogenic (1 of 4 stars; one submission).

Submission:

GeneDx
Classification: Likely pathogenic. Last evaluated: 2021-11-22. Review status: criteria provided, single submitter. Criteria: GeneDx Variant Classification Process June 2021. Collection method: clinical testing. Allele origin: germline. Affected: yes.
Comment: Frameshift variant predicted to result in protein truncation or nonsense mediated decay in a gene for which loss-of-function is a known mechanism of disease; Not observed at significant frequency in large population cohorts (Lek et al., 2016); Has not been previously published as pathogenic or benign to our knowledge